The following is an entry in ClinVar:

ClinVar aggregate classification (germline): Uncertain significance (1 of 4 stars; one submission).

Conditions:
Emery-Dreifuss muscular dystrophy 4, autosomal dominant (EDMD4). Also called: EMERY-DREIFUSS MUSCULAR DYSTROPHY 4 WITH VARIABLE FEATURES. Identifiers: Orphanet 261, MedGen C2751807, MONDO:0013071, OMIM 612998.
Autosomal recessive ataxia, Beauce type. Also called: Spinocerebellar ataxia, autosomal recessive 8; ATAXIA, RECESSIVE, OF BEAUCE; SYNE1-Related Autosomal Recessive Cerebellar Ataxia; SYNE1 Deficiency. Identifiers: Orphanet 88644, MedGen C1853116, MONDO:0012549, OMIM 610743.

Allele frequency attached by ClinVar (database versions not stated): gnomAD 0.00001; TOPMed 0.00002.
gnomAD v4.1: 1 of 1,614,010 alleles (0.000062%); highest among the groups gnomAD compares: African/African-American, 0.0013%; no homozygotes.

Submission:

Labcorp Genetics (formerly Invitae), Labcorp
Classification: Uncertain significance for Emery-Dreifuss muscular dystrophy 4, autosomal dominant; Autosomal recessive ataxia, Beauce type. Last evaluated: 2022-08-16. Review status: criteria provided, single submitter. Criteria: Invitae Variant Classification Sherloc (09022015). Collection method: clinical testing. Allele origin: germline.
Comment: This variant is not present in population databases (gnomAD no frequency). This variant has not been reported in the literature in individuals affected with SYNE1-related conditions. ClinVar contains an entry for this variant (Variation ID: 846155). Algorithms developed to predict the effect of missense changes on protein structure and function are either unavailable or do not agree on the potential impact of this missense change (SIFT: "Deleterious"; PolyPhen-2: "Probably Damaging"; Align-GVGD: "Class C0"). Algorithms developed to predict the effect of sequence changes on RNA splicing suggest that this variant may disrupt the consensus splice site. In summary, the available evidence is currently insufficient to determine the role of this variant in disease. Therefore, it has been classified as a Variant of Uncertain Significance. This sequence change replaces glycine, which is neutral and non-polar, with aspartic acid, which is acidic and polar, at codon 422 of the SYNE1 protein (p.Gly422Asp).

NM_182961.4(SYNE1):c.1244G>A (p.Gly415Asp)

Gene: SYNE1 (spectrin repeat containing nuclear envelope protein 1; minus strand). Cytogenetic location: 6q25.2.
Variant type: single nucleotide variant.
Coding change: c.1244G>A on transcript NM_182961.4 (MANE Select); coding-DNA position 1244, G replaced by A.
Protein change: p.Gly415Asp; replaces glycine 415 with aspartic acid.
Molecular consequence: missense variant.
Genome position (GRCh38, 1-based): chr6:152,483,191, C>T on the plus strand (G>A on the coding strand, the complement: SYNE1 is on the minus strand). VCF-style: chr6-152483191-C-T. GRCh37 (hg19) VCF-style: chr6-152804326-C-T.
Other names: c.1265G>A, p.Gly422Asp (NM_033071.5); short protein forms G415D, G422D.
Identifiers: ClinVar variation 846155 (VCV000846155.9), dbSNP rs1459930095, ClinGen allele CA366140231.